The following is an entry in ClinVar:

ClinVar aggregate classification (germline): Uncertain significance (1 of 4 stars; one submission).

Submission:

Labcorp Genetics (formerly Invitae), Labcorp
Classification: Uncertain significance. Last evaluated: 2024-08-17. Review status: criteria provided, single submitter. Criteria: Invitae Variant Classification Sherloc (09022015). Collection method: clinical testing. Allele origin: germline.
Comment: This sequence change replaces proline, which is neutral and non-polar, with threonine, which is neutral and polar, at codon 169 of the FAR1 protein (p.Pro169Thr). This variant is not present in population databases (gnomAD no frequency). This variant has not been reported in the literature in individuals affected with FAR1-related conditions. Invitae Evidence Modeling of protein sequence and biophysical properties (such as structural, functional, and spatial information, amino acid conservation, physicochemical variation, residue mobility, and thermodynamic stability) indicates that this missense variant is not expected to disrupt FAR1 protein function with a negative predictive value of 80%. In summary, the available evidence is currently insufficient to determine the role of this variant in disease. Therefore, it has been classified as a Variant of Uncertain Significance.

NM_032228.6(FAR1):c.505C>A (p.Pro169Thr)

Gene: FAR1 (fatty acyl-CoA reductase 1; plus strand). Cytogenetic location: 11p15.3.
Variant type: single nucleotide variant.
Coding change: c.505C>A on transcript NM_032228.6 (MANE Select); coding-DNA position 505, C replaced by A.
Protein change: p.Pro169Thr; replaces proline 169 with threonine.
Molecular consequence: missense variant.
Genome position (GRCh38, 1-based): chr11:13,708,039, C>A. VCF-style: chr11-13708039-C-A. GRCh37 (hg19) VCF-style: chr11-13729586-C-A.
Other names: short protein forms P169T.
Identifiers: ClinVar variation 3647784 (VCV003647784.2).
Genomic context (GRCh38, chr11:13,708,039, plus strand): 5'-ATGCATGTATCAACAGCATATGCCTACTGTAATCGCAAGCATATTGATGAAGTAGTCTAT[C>A]CACCACCTGTGGATCCCAAGAAGCTGATTGATTCTTTAGAGTATGTTTGTTTGAAATTTA-3'
Protein context (NP_115604.1, residues 159-179): NRKHIDEVVY[Pro169Thr]PPVDPKKLID